The following is an entry in ClinVar:

ClinVar aggregate classification (germline): Uncertain significance (1 of 4 stars; one submission).

gnomAD v4.1: 2 of 1,614,172 alleles (0.00012%); highest among the groups gnomAD compares: Non-Finnish European, 0.00017%; no homozygotes.

Submission:

Labcorp Genetics (formerly Invitae), Labcorp
Classification: Uncertain significance. Last evaluated: 2024-10-16. Review status: criteria provided, single submitter. Criteria: Invitae Variant Classification Sherloc (09022015). Collection method: clinical testing. Allele origin: germline.
Comment: This sequence change replaces aspartic acid, which is acidic and polar, with asparagine, which is neutral and polar, at codon 863 of the TRRAP protein (p.Asp863Asn). This variant is present in population databases (rs782260092, gnomAD 0.002%). This variant has not been reported in the literature in individuals affected with TRRAP-related conditions. Invitae Evidence Modeling of protein sequence and biophysical properties (such as structural, functional, and spatial information, amino acid conservation, physicochemical variation, residue mobility, and thermodynamic stability) has been performed for this missense variant. However, the output from this modeling did not meet the statistical confidence thresholds required to predict the impact of this variant on TRRAP protein function. In summary, the available evidence is currently insufficient to determine the role of this variant in disease. Therefore, it has been classified as a Variant of Uncertain Significance.

NM_001375524.1(TRRAP):c.2587G>A (p.Asp863Asn)

Gene: TRRAP (transformation/transcription domain associated protein; plus strand). Cytogenetic location: 7q22.1.
Variant type: single nucleotide variant.
Coding change: c.2587G>A on transcript NM_001375524.1 (MANE Select); coding-DNA position 2587, G replaced by A.
Protein change: p.Asp863Asn; replaces aspartic acid 863 with asparagine.
Molecular consequence: missense variant.
Genome position (GRCh38, 1-based): chr7:98,917,644, G>A. VCF-style: chr7-98917644-G-A. GRCh37 (hg19) VCF-style: chr7-98515267-G-A.
Other names: c.2587G>A, p.Asp863Asn (NM_001244580.2, NM_003496.4); short protein forms D863N.
Identifiers: ClinVar variation 3676819 (VCV003676819.2).
Genomic context (GRCh38, chr7:98,917,644, plus strand): 5'-AGCCAAGGCCTCAGGACGCTGGAGCTGTGTGTGGACAACCTGCAGCCCGACTTCCTCTAC[G>A]ACCACATCCAGCCGGTGCGCGCAGAGCTCATGCAGGTAGGATTTTAGTGAGGTTGTTAGC-3'
Protein context (NP_001362453.1, residues 853-873): VDNLQPDFLY[Asp863Asn]HIQPVRAELM